The following is an entry in ClinVar:

NM_003900.5(SQSTM1):c.556C>T (p.Arg186Trp)

Gene: SQSTM1 (sequestosome 1; plus strand). Cytogenetic location: 5q35.3.
Variant type: single nucleotide variant.
Coding change: c.556C>T on transcript NM_003900.5 (MANE Select); coding-DNA position 556, C replaced by T.
Protein change: p.Arg186Trp; replaces arginine 186 with tryptophan.
Molecular consequence: missense variant.
Genome position (GRCh38, 1-based): chr5:179,824,206, C>T. VCF-style: chr5-179824206-C-T. GRCh37 (hg19) VCF-style: chr5-179251206-C-T.
Other names: c.304C>T, p.Arg102Trp (NM_001142298.2, NM_001142299.2); short protein forms R102W, R186W.
Identifiers: ClinVar variation 2142252 (VCV002142252.4), dbSNP rs756791819, ClinGen allele CA3600567.

ClinVar aggregate classification (germline): Uncertain significance (1 of 4 stars; one submission).

Conditions:
Paget disease of bone 2, early-onset (PDB2). Also called: Paget disease of bone 2. Identifiers: MedGen C4085251, MONDO:0011183, OMIM 602080.
Frontotemporal dementia and/or amyotrophic lateral sclerosis 1 (FTDALS1). Also called: Frontotemporal dementia with motor neuron disease 1; C9orf72 Frontotemporal Dementia and/or Amyotrophic Lateral Sclerosis. Identifiers: Orphanet 275872, MedGen C5779877, MONDO:0007105, OMIM 105550.

Allele frequency attached by ClinVar (database versions not stated): TOPMed 0.00001; gnomAD exomes 0.00002; gnomAD 0.00003; ExAC 0.00004.

Submission:

Labcorp Genetics (formerly Invitae), Labcorp
Classification: Uncertain significance for Paget disease of bone 2, early-onset; Frontotemporal dementia and/or amyotrophic lateral sclerosis 1. Last evaluated: 2023-09-10. Review status: criteria provided, single submitter. Criteria: Invitae Variant Classification Sherloc (09022015). Collection method: clinical testing. Allele origin: germline.
Comment: Advanced modeling of protein sequence and biophysical properties (such as structural, functional, and spatial information, amino acid conservation, physicochemical variation, residue mobility, and thermodynamic stability) performed at Invitae indicates that this missense variant is expected to disrupt SQSTM1 protein function. In summary, the available evidence is currently insufficient to determine the role of this variant in disease. Therefore, it has been classified as a Variant of Uncertain Significance. ClinVar contains an entry for this variant (Variation ID: 2142252). This variant has not been reported in the literature in individuals affected with SQSTM1-related conditions. This variant is present in population databases (rs756791819, gnomAD 0.02%). This sequence change replaces arginine, which is basic and polar, with tryptophan, which is neutral and slightly polar, at codon 186 of the SQSTM1 protein (p.Arg186Trp).